The following is an entry in ClinVar:

NM_004370.6(COL12A1):c.6074G>T (p.Arg2025Leu)

Gene: COL12A1 (collagen type XII alpha 1 chain; minus strand). Cytogenetic location: 6q13.
Variant type: single nucleotide variant.
Coding change: c.6074G>T on transcript NM_004370.6 (MANE Select); coding-DNA position 6074, G replaced by T.
Protein change: p.Arg2025Leu; replaces arginine 2025 with leucine.
Molecular consequence: missense variant.
Genome position (GRCh38, 1-based): chr6:75,130,227, C>A on the plus strand (G>T on the coding strand, the complement: COL12A1 is on the minus strand). VCF-style: chr6-75130227-C-A. GRCh37 (hg19) VCF-style: chr6-75839943-C-A.
Other names: c.6074G>T, p.Arg2025Leu (NM_001424113.1); c.6053G>T, p.Arg2018Leu (NM_001424114.1); c.5801G>T, p.Arg1934Leu (NM_001424115.1); c.2582G>T, p.Arg861Leu (NM_001424116.1, NM_080645.3); short protein forms R861L, R2018L, R2025L, R1934L.
Identifiers: ClinVar variation 2927425 (VCV002927425.3), dbSNP rs34336755, ClinGen allele CA364731368.
Genomic context (GRCh38, chr6:75,130,227, plus strand): 5'-CAGGCTACCGAGAGGCTATTGGTTGTTTCACCAAAGACTCTCAGGTTCCTTGGTCCACTG[C>A]GTGGTACTAAATAAATAAAATACAATAGAGTTTGTTGCCTGCCTGTGAGCATTACCTAAG-3'
Protein context (NP_004361.3, residues 2015-2035): PSPAQGRTLP[Arg2025Leu]SGPRNLRVFG

ClinVar aggregate classification (germline): Uncertain significance (1 of 4 stars; one submission).

Conditions:
Ullrich congenital muscular dystrophy 2 (UCMD2). Identifiers: Orphanet 75840, MedGen C4225314, MONDO:0014654, OMIM 616470.
Bethlem myopathy 2 (BTHLM2). Identifiers: Orphanet 536516, Orphanet 610, MedGen C4225313, MONDO:0034022, OMIM 616471.

gnomAD v4.1: 2 of 1,613,472 alleles (0.00012%); highest among the groups gnomAD compares: Non-Finnish European, 0.00017%; no homozygotes.

Submission:

Labcorp Genetics (formerly Invitae), Labcorp
Classification: Uncertain significance for Bethlem myopathy 2; Ullrich congenital muscular dystrophy 2. Last evaluated: 2023-08-02. Review status: criteria provided, single submitter. Criteria: Invitae Variant Classification Sherloc (09022015). Collection method: clinical testing. Allele origin: germline.
Comment: Advanced modeling of protein sequence and biophysical properties (such as structural, functional, and spatial information, amino acid conservation, physicochemical variation, residue mobility, and thermodynamic stability) performed at Invitae indicates that this missense variant is not expected to disrupt COL12A1 protein function. This variant has not been reported in the literature in individuals affected with COL12A1-related conditions. This variant is not present in population databases (gnomAD no frequency). This sequence change replaces arginine, which is basic and polar, with leucine, which is neutral and non-polar, at codon 2025 of the COL12A1 protein (p.Arg2025Leu). In summary, the available evidence is currently insufficient to determine the role of this variant in disease. Therefore, it has been classified as a Variant of Uncertain Significance.